The following is an entry in ClinVar:

ClinVar aggregate classification (germline): Pathogenic (1 of 4 stars; one submission).

Conditions:
Retinitis pigmentosa 12 (RP12). Also called: RP WITH OR WITHOUT PPRPE; RP WITH OR WITHOUT PRESERVED PARAARTERIOLE RETINAL PIGMENT EPITHELIUM; RETINITIS PIGMENTOSA WITH OR WITHOUT PARAARTERIOLAR PRESERVATION OF RETINAL PIGMENT EPITHELIUM. Identifiers: Orphanet 791, MedGen C1838647, MONDO:0010818, OMIM 600105.
Leber congenital amaurosis 8 (LCA8). Identifiers: Orphanet 65, MedGen C3151202, MONDO:0013453, OMIM 613835.

Submission:

Labcorp Genetics (formerly Invitae), Labcorp
Classification: Pathogenic for Leber congenital amaurosis 8; Retinitis pigmentosa 12. Last evaluated: 2021-08-18. Review status: criteria provided, single submitter. Criteria: Invitae Variant Classification Sherloc (09022015). Collection method: clinical testing. Allele origin: germline.
Comment: This variant is a gross deletion of the genomic region encompassing exons 1-5 of the CRB1 gene, which includes the initiator codon. The 5' end of this event is unknown as it extends beyond the assayed region for this gene and therefore may encompass additional genes. The 3' boundary is likely confined to intron 5 of the CRB1 gene. This is expected to result in an absent or disrupted protein product. This variant has not been reported in the literature in individuals with CRB1-related conditions. Loss-of-function variants in CRB1 are known to be pathogenic (PMID: 10508521, 22065545, 23379534, 25412400, 26957898, 28041643, 29391521). For these reasons, this variant has been classified as Pathogenic.

Literature cited by the submitters: PubMed 10508521; PubMed 22065545; PubMed 23379534; PubMed 25412400; PubMed 26957898; PubMed 28041643; PubMed 29391521.

NC_000001.10:g.(?_197237324)_(197326153_?)del

Gene: CRB1 (crumbs cell polarity complex component 1; plus strand). Cytogenetic location: 1q31.3.
Variant type: Deletion.
Identifiers: ClinVar variation 1369922 (VCV001369922.3).